The following is an entry in ClinVar:

ClinVar aggregate classification (germline): Uncertain significance (1 of 4 stars; one submission).

Submission:

Women's Health and Genetics/Laboratory Corporation of America, LabCorp
Classification: Uncertain significance. Last evaluated: 2019-04-09. Review status: criteria provided, single submitter. Criteria: LabCorp Variant Classification Summary - May 2015. Collection method: clinical testing. Allele origin: germline.
Comment: Variant summary: BRCA2 c.8633-11_8633-3delTGTTTTCTT alters a non-conserved nucleotide located close to a canonical splice site and therefore could affect mRNA splicing, leading to a significantly altered protein sequence. Several computational tools predict a significant impact on normal splicing: Three predict the variant weakens a 3 acceptor site. One predict the variant abolishes a 3 6acceptor site. However, these predictions have yet to be confirmed by functional studies. The variant was absent in 245794 control chromosomes (gnomAD). The available data on variant occurrences in the general population are insufficient to allow any conclusion about variant significance. To our knowledge, no occurrence of c.8633-11_8633-3delTGTTTTCTT in individuals affected with Hereditary Breast and Ovarian Cancer and no experimental evidence demonstrating its impact on protein function have been reported. No clinical diagnostic laboratories have submitted clinical-significance assessments for this variant to ClinVar after 2014. Based on the evidence outlined above, the variant was classified as uncertain significance.

NM_000059.4(BRCA2):c.8633-11_8633-3del

Gene: BRCA2 (BRCA2 DNA repair associated; plus strand). Cytogenetic location: 13q13.1.
Variant type: Deletion.
Coding change: c.8633-11_8633-3del on transcript NM_000059.4 (MANE Select); 11 bases into the intron before coding-DNA position 8633 through 3 bases into the intron before coding-DNA position 8633, 9 bases deleted (TGTTTTCTT; older notation c.8633-11_8633-3delTGTTTTCTT).
Molecular consequence: intron variant.
Genome position (GRCh38, 1-based): chr13:32,376,659-32,376,667, TGTTTTCTT deleted; deleting any 9 consecutive bases within chr13:32,376,657-32,376,667 gives the same sequence; the c. name uses the placement nearest the transcript's 3' end. VCF-style (leftmost placement, unchanged base first): chr13-32376656-TTTTGTTTTC-T. GRCh37 (hg19) VCF-style: chr13-32950793-TTTTGTTTTC-T.
Identifiers: ClinVar variation 928770 (VCV000928770.1), dbSNP rs2072873847, ClinGen allele CA1139663178.
Genomic context (GRCh38, chr13:32,376,656, plus strand): 5'-TATGCTTGGTTCTTTAGTTTTAGTTGCTTTTGAATTTACAGTTTAGTGAATTAATAATCC[TTTTGTTTTC>T]TTAGAAAACACAACAAAACCATATTTACCATCACGTGCACTAACAAGACAGCAAGTTCGT-3'